The following is an entry in ClinVar:

NM_000037.4(ANK1):c.5544+69C>T

Gene: ANK1 (ankyrin 1; minus strand). Cytogenetic location: 8p11.21.
Variant type: single nucleotide variant.
Coding change: c.5544+69C>T on transcript NM_000037.4 (MANE Select); 69 bases into the intron after coding-DNA position 5544, C replaced by T.
Molecular consequence: intron variant. On other transcripts: synonymous variant (3).
Genome position (GRCh38, 1-based): chr8:41,661,807, G>A on the plus strand (C>T on the coding strand, the complement: ANK1 is on the minus strand). VCF-style: chr8-41661807-G-A. GRCh37 (hg19) VCF-style: chr8-41519325-G-A.
Other names: c.438C>T, p.His146= (NM_001142445.2); c.5613C>T, p.His1871= (NM_020476.3); c.5127C>T, p.His1709= (NM_020477.3); c.5667+69C>T (NM_001142446.2); c.5544+69C>T (NM_020475.3); c.303+1852C>T (NM_020480.5); c.369+69C>T (NM_020478.5).
Identifiers: ClinVar variation 3389644 (VCV003389644.14).
Genomic context (GRCh38, chr8:41,661,807, plus strand): 5'-AGCAAGGCAGCAGTGATGGCGCTGGGTCCCCCAGGGCCGCGGGCGCCTCAGTACCTTGGA[G>A]TGTTTCATAAAGTAATCAATATCGACCTCCAGCTCACTGGGATCCTCCAGGGGCCCCTCT-3'

ClinVar aggregate classification (germline): Likely benign (1 of 4 stars; one submission).

gnomAD v4.1: 3 of 1,613,770 alleles (0.00019%); highest among the groups gnomAD compares: East Asian, 0.0067%; no homozygotes.

Submission:

CeGaT Center for Human Genetics Tuebingen
Classification: Likely benign. Last evaluated: 2024-09-01. Review status: criteria provided, single submitter. Criteria: CeGaT Center For Human Genetics Tuebingen Variant Classification Criteria Version 2. Collection method: clinical testing. Allele origin: germline. Affected: yes. Observed: 1 variant allele.
Comment: ANK1: BP4, BP7